The following is an entry in ClinVar:

ClinVar aggregate classification (germline): Uncertain significance (1 of 4 stars; one submission).

Conditions:
Cardiovascular phenotype. Identifiers: MedGen CN230736.

Submission:

Ambry Genetics
Classification: Uncertain significance for Cardiovascular phenotype. Last evaluated: 2026-07-02. Review status: criteria provided, single submitter. Criteria: Ambry Variant Classification Scheme 2023. Collection method: clinical testing. Allele origin: germline.
Comment: The p.S3651F variant (also known as c.10952C>T), located in coding exon 26 of the APOB gene, results from a C to T substitution at nucleotide position 10952. The serine at codon 3651 is replaced by phenylalanine, an amino acid with highly dissimilar properties. This amino acid position is conserved. In addition, this alteration is predicted to be tolerated by in silico analysis. Based on the available evidence, the clinical significance of this variant remains unclear.

NM_000384.3(APOB):c.10952C>T (p.Ser3651Phe)

Gene: APOB (apolipoprotein B; minus strand). Cytogenetic location: 2p24.1.
Variant type: single nucleotide variant.
Coding change: c.10952C>T on transcript NM_000384.3 (MANE Select); coding-DNA position 10952, C replaced by T.
Protein change: p.Ser3651Phe; replaces serine 3651 with phenylalanine.
Molecular consequence: missense variant.
Genome position (GRCh38, 1-based): chr2:21,005,916, G>A on the plus strand (C>T on the coding strand, the complement: APOB is on the minus strand). VCF-style: chr2-21005916-G-A. GRCh37 (hg19) VCF-style: chr2-21228788-G-A.
Other names: short protein forms S3651F.
Identifiers: ClinVar variation 5027185 (VCV005027185.1).